The following is an entry in ClinVar:

ClinVar aggregate classification (germline): Uncertain significance (1 of 4 stars; one submission).

Conditions:
Familial thoracic aortic aneurysm and aortic dissection (TAAD). Also called: Thoracic aortic aneurysms and dissections. Identifiers: Orphanet 91387, MedGen C4707243, MONDO:0019625.

Submission:

Ambry Genetics
Classification: Uncertain significance for Familial thoracic aortic aneurysm and aortic dissection. Last evaluated: 2026-02-22. Review status: criteria provided, single submitter. Criteria: Ambry Variant Classification Scheme 2023. Collection method: clinical testing. Allele origin: germline.
Comment: The p.K1391E variant (also known as c.4171A>G), located in coding exon 53 of the COL5A1 gene, results from an A to G substitution at nucleotide position 4171. The lysine at codon 1391 is replaced by glutamic acid, an amino acid with similar properties. This amino acid position is conserved. In addition, the in silico prediction for this alteration is inconclusive. Based on the available evidence, the clinical significance of this variant remains unclear.

NM_000093.5(COL5A1):c.4171A>G (p.Lys1391Glu)

Gene: COL5A1 (collagen type V alpha 1 chain; plus strand). Cytogenetic location: 9q34.3.
Variant type: single nucleotide variant.
Coding change: c.4171A>G on transcript NM_000093.5 (MANE Select); coding-DNA position 4171, A replaced by G.
Protein change: p.Lys1391Glu; replaces lysine 1391 with glutamic acid.
Molecular consequence: missense variant.
Genome position (GRCh38, 1-based): chr9:134,817,074, A>G. VCF-style: chr9-134817074-A-G. GRCh37 (hg19) VCF-style: chr9-137708920-A-G.
Other names: c.4171A>G, p.Lys1391Glu (NM_001278074.1); short protein forms K1391E.
Identifiers: ClinVar variation 4844430 (VCV004844430.1).